The following is an entry in ClinVar:

ClinVar aggregate classification (germline): Uncertain significance (1 of 4 stars; one submission).

gnomAD v4.1: 1 of 1,582,762 alleles (0.000063%); highest among the groups gnomAD compares: Non-Finnish European, 0.000086%; no homozygotes.

Submission:

Labcorp Genetics (formerly Invitae), Labcorp
Classification: Uncertain significance. Last evaluated: 2018-07-11. Review status: criteria provided, single submitter. Criteria: Invitae Variant Classification Sherloc (09022015). Collection method: clinical testing. Allele origin: germline.
Comment: In summary, the available evidence is currently insufficient to determine the role of this variant in disease. Therefore, it has been classified as a Variant of Uncertain Significance. Algorithms developed to predict the effect of missense changes on protein structure and function are either unavailable or do not agree on the potential impact of this missense change (SIFT: "Deleterious"; PolyPhen-2: "Probably Damaging"; Align-GVGD: "Class C0"). This variant has not been reported in the literature in individuals with SZT2-related disease. This variant is not present in population databases (ExAC no frequency). This sequence change replaces histidine with aspartic acid at codon 588 of the SZT2 protein (p.His588Asp). The histidine residue is weakly conserved and there is a moderate physicochemical difference between histidine and aspartic acid.

NM_001365999.1(SZT2):c.1762C>G (p.His588Asp)

Gene: SZT2 (SZT2 subunit of KICSTOR complex; plus strand). Cytogenetic location: 1p34.2.
Variant type: single nucleotide variant.
Coding change: c.1762C>G on transcript NM_001365999.1 (MANE Select); coding-DNA position 1762, C replaced by G.
Protein change: p.His588Asp; replaces histidine 588 with aspartic acid.
Molecular consequence: missense variant.
Genome position (GRCh38, 1-based): chr1:43,422,218, C>G. VCF-style: chr1-43422218-C-G. GRCh37 (hg19) VCF-style: chr1-43887889-C-G.
Other names: c.1762C>G, p.His588Asp (NM_015284.4); short protein forms H588D.
Identifiers: ClinVar variation 638908 (VCV000638908.8), dbSNP rs1472749281, ClinGen allele CA340009869.